The following is an entry in ClinVar:

NM_000179.3(MSH6):c.1832G>A (p.Ser611Asn)

Gene: MSH6 (mutS homolog 6; plus strand). Cytogenetic location: 2p16.3.
Variant type: single nucleotide variant.
Coding change: c.1832G>A on transcript NM_000179.3 (MANE Select); coding-DNA position 1832, G replaced by A.
Protein change: p.Ser611Asn; replaces serine 611 with asparagine.
Molecular consequence: missense variant.
Genome position (GRCh38, 1-based): chr2:47,799,815, G>A. VCF-style: chr2-47799815-G-A. GRCh37 (hg19) VCF-style: chr2-48026954-G-A.
Other names: c.1442G>A, p.Ser481Asn (NM_001281492.2); c.926G>A, p.Ser309Asn (NM_001281493.2, NM_001281494.2); short protein forms S611N, S481N, S309N.
Identifiers: ClinVar variation 489972 (VCV000489972.9), dbSNP rs1553413217, ClinGen allele CA346749553.

ClinVar aggregate classification (germline): Uncertain significance. Review status: criteria provided, multiple submitters, no conflicts (2 of 4 stars). 3 submissions from 3 submitters: Uncertain significance (3). Last evaluated 2024-11-25.

Conditions:
Hereditary cancer-predisposing syndrome. Also called: Hereditary Cancer Syndrome; Neoplastic Syndromes, Hereditary; Tumor predisposition; Hereditary neoplastic syndrome. Identifiers: Orphanet 140162, MedGen C0027672, MeSH D009386, MONDO:0015356.
Hereditary nonpolyposis colorectal neoplasms. Identifiers: MedGen C0009405, MeSH D003123.

Allele frequency attached by ClinVar (database versions not stated): gnomAD exomes below 0.00001.
gnomAD v4.1: 1 of 1,614,194 alleles (0.000062%); highest among the groups gnomAD compares: East Asian, 0.0022%; no homozygotes.

Submissions (3):

Labcorp Genetics (formerly Invitae), Labcorp
Classification: Uncertain significance for Hereditary nonpolyposis colorectal neoplasms. Last evaluated: 2024-11-25. Review status: criteria provided, single submitter. Criteria: Invitae Variant Classification Sherloc (09022015). Collection method: clinical testing. Allele origin: germline.
Comment: This sequence change replaces serine, which is neutral and polar, with asparagine, which is neutral and polar, at codon 611 of the MSH6 protein (p.Ser611Asn). This variant is not present in population databases (gnomAD no frequency). This variant has not been reported in the literature in individuals affected with MSH6-related conditions. ClinVar contains an entry for this variant (Variation ID: 489972). Invitae Evidence Modeling of protein sequence and biophysical properties (such as structural, functional, and spatial information, amino acid conservation, physicochemical variation, residue mobility, and thermodynamic stability) indicates that this missense variant is not expected to disrupt MSH6 protein function with a negative predictive value of 95%. In summary, the available evidence is currently insufficient to determine the role of this variant in disease. Therefore, it has been classified as a Variant of Uncertain Significance.

Color Diagnostics, LLC DBA Color Health
Classification: Uncertain significance for Hereditary cancer-predisposing syndrome. Last evaluated: 2023-12-05. Review status: criteria provided, single submitter. Criteria: ACMG Guidelines, 2015. Collection method: clinical testing. Allele origin: germline.
Comment: This missense variant replaces serine with asparagine at codon 611 of the MSH6 protein. Computational prediction suggests that this variant may not impact protein structure and function (internally defined REVEL score threshold <= 0.5, PMID: 27666373). To our knowledge, functional studies have not been reported for this variant. This variant has not been reported in individuals affected with MSH6-related disorders in the literature. This variant has not been identified in the general population by the Genome Aggregation Database (gnomAD). The available evidence is insufficient to determine the role of this variant in disease conclusively. Therefore, this variant is classified as a Variant of Uncertain Significance.

Ambry Genetics
Classification: Uncertain significance for Hereditary cancer-predisposing syndrome. Last evaluated: 2020-05-06. Review status: criteria provided, single submitter. Criteria: Ambry Variant Classification Scheme 2023. Collection method: clinical testing. Allele origin: germline.
Comment: The p.S611N variant (also known as c.1832G>A), located in coding exon 4 of the MSH6 gene, results from a G to A substitution at nucleotide position 1832. The serine at codon 611 is replaced by asparagine, an amino acid with highly similar properties. This amino acid position is not well conserved in available vertebrate species. In addition, this alteration is predicted to be tolerated by in silico analysis. Since supporting evidence is limited at this time, the clinical significance of this alteration remains unclear.